The following is an entry in ClinVar:

NM_003073.5(SMARCB1):c.728A>G (p.Gln243Arg)

Gene: SMARCB1 (SWI/SNF related BAF chromatin remodeling complex subunit B1; plus strand). Cytogenetic location: 22q11.23.
Variant type: single nucleotide variant.
Coding change: c.728A>G on transcript NM_003073.5 (MANE Select); coding-DNA position 728, A replaced by G.
Protein change: p.Gln243Arg; replaces glutamine 243 with arginine.
Molecular consequence: missense variant.
Genome position (GRCh38, 1-based): chr22:23,816,869, A>G. VCF-style: chr22-23816869-A-G. GRCh37 (hg19) VCF-style: chr22-24159056-A-G.
Other names: c.701A>G, p.Gln234Arg (NM_001007468.3); c.755A>G, p.Gln252Arg (NM_001317946.2); c.782A>G, p.Gln261Arg (NM_001362877.2); short protein forms Q234R, Q261R, Q243R, Q252R.
Identifiers: ClinVar variation 3641827 (VCV003641827.2).

ClinVar aggregate classification (germline): Uncertain significance (1 of 4 stars; one submission).

Submission:

Labcorp Genetics (formerly Invitae), Labcorp
Classification: Uncertain significance. Last evaluated: 2024-02-18. Review status: criteria provided, single submitter. Criteria: Invitae Variant Classification Sherloc (09022015). Collection method: clinical testing. Allele origin: germline.
Comment: This sequence change replaces glutamine, which is neutral and polar, with arginine, which is basic and polar, at codon 243 of the SMARCB1 protein (p.Gln243Arg). This variant is not present in population databases (gnomAD no frequency). This variant has not been reported in the literature in individuals affected with SMARCB1-related conditions. Advanced modeling of protein sequence and biophysical properties (such as structural, functional, and spatial information, amino acid conservation, physicochemical variation, residue mobility, and thermodynamic stability) has been performed at Invitae for this missense variant, however the output from this modeling did not meet the statistical confidence thresholds required to predict the impact of this variant on SMARCB1 protein function. In summary, the available evidence is currently insufficient to determine the role of this variant in disease. Therefore, it has been classified as a Variant of Uncertain Significance.